The following is an entry in ClinVar:

NM_003480.4(MFAP5):c.377G>A (p.Arg126His)

Gene: MFAP5 (microfibril associated protein 5; minus strand). Cytogenetic location: 12p13.31.
Variant type: single nucleotide variant.
Coding change: c.377G>A on transcript NM_003480.4 (MANE Select); coding-DNA position 377, G replaced by A.
Protein change: p.Arg126His; replaces arginine 126 with histidine.
Molecular consequence: missense variant. On other transcripts: non-coding transcript variant (2), intron variant (1).
Genome position (GRCh38, 1-based): chr12:8,649,533, C>T on the plus strand (G>A on the coding strand, the complement: MFAP5 is on the minus strand). VCF-style: chr12-8649533-C-T. GRCh37 (hg19) VCF-style: chr12-8802129-C-T.
Other names: c.347G>A, p.Arg116His (NM_001297709.2); c.311G>A, p.Arg104His (NM_001297710.2); c.302G>A, p.Arg101His (NM_001297711.2); c.218-1330G>A (NM_001297712.2); short protein forms R104H, R101H, R116H, R126H.
Identifiers: ClinVar variation 3395452 (VCV003395452.2).

ClinVar aggregate classification (germline): Uncertain significance. Review status: criteria provided, multiple submitters, no conflicts (2 of 4 stars). 2 submissions from 2 submitters: Uncertain significance (2). Last evaluated 2025-06-15.

Conditions:
Cardiovascular phenotype. Identifiers: MedGen CN230736.

Submissions (2):

Labcorp Genetics (formerly Invitae), Labcorp
Classification: Uncertain significance. Last evaluated: 2025-06-15. Review status: criteria provided, single submitter. Criteria: Invitae Variant Classification Sherloc (09022015). Collection method: clinical testing. Allele origin: germline.
Comment: This sequence change replaces arginine, which is basic and polar, with histidine, which is basic and polar, at codon 126 of the MFAP5 protein (p.Arg126His). This variant is present in population databases (no rsID available, gnomAD 0.007%). This variant has not been reported in the literature in individuals affected with MFAP5-related conditions. ClinVar contains an entry for this variant (Variation ID: 3395452). An algorithm developed to predict the effect of missense changes on protein structure and function (PolyPhen-2) suggests that this variant is likely to be disruptive. In summary, the available evidence is currently insufficient to determine the role of this variant in disease. Therefore, it has been classified as a Variant of Uncertain Significance.

Ambry Genetics
Classification: Uncertain significance for Cardiovascular phenotype. Last evaluated: 2024-10-29. Review status: criteria provided, single submitter. Criteria: Ambry Variant Classification Scheme 2023. Collection method: clinical testing. Allele origin: germline.
Comment: The p.R126H variant (also known as c.377G>A), located in coding exon 8 of the MFAP5 gene, results from a G to A substitution at nucleotide position 377. The arginine at codon 126 is replaced by histidine, an amino acid with highly similar properties. This amino acid position is conserved. In addition, this alteration is predicted to be deleterious by in silico analysis. Based on the available evidence, the clinical significance of this variant remains unclear.